The following is an entry in ClinVar:

NM_020832.3(ZNF687):c.2614A>G (p.Thr872Ala)

Gene: ZNF687 (zinc finger protein 687; plus strand). Cytogenetic location: 1q21.3.
Variant type: single nucleotide variant.
Coding change: c.2614A>G on transcript NM_020832.3 (MANE Select); coding-DNA position 2614, A replaced by G.
Protein change: p.Thr872Ala; replaces threonine 872 with alanine.
Molecular consequence: missense variant.
Genome position (GRCh38, 1-based): chr1:151,289,520, A>G. VCF-style: chr1-151289520-A-G. GRCh37 (hg19) VCF-style: chr1-151261996-A-G.
Other names: c.2614A>G, p.Thr872Ala (NM_001304763.2, NM_001304764.2); short protein forms T872A.
Identifiers: ClinVar variation 2359952 (VCV002359952.3), dbSNP rs1412705670, ClinGen allele CA341952686.

ClinVar aggregate classification (germline): Uncertain significance. Review status: criteria provided, multiple submitters, no conflicts (2 of 4 stars). 2 submissions from 2 submitters: Uncertain significance (2). Last evaluated 2025-07-02.

Allele frequency attached by ClinVar (database versions not stated): gnomAD exomes below 0.00001; gnomAD 0.00001; TOPMed 0.00002.
gnomAD v4.1: 11 of 1,613,946 alleles (0.00068%); highest among the groups gnomAD compares: Admixed American, 0.005%; no homozygotes.

Submissions (2):

Labcorp Genetics (formerly Invitae), Labcorp
Classification: Uncertain significance. Last evaluated: 2025-07-02. Review status: criteria provided, single submitter. Criteria: Invitae Variant Classification Sherloc (09022015). Collection method: clinical testing. Allele origin: germline.
Comment: This sequence change replaces threonine, which is neutral and polar, with alanine, which is neutral and non-polar, at codon 872 of the ZNF687 protein (p.Thr872Ala). This variant is present in population databases (no rsID available, gnomAD 0.003%). This variant has not been reported in the literature in individuals affected with ZNF687-related conditions. ClinVar contains an entry for this variant (Variation ID: 2359952). An algorithm developed to predict the effect of missense changes on protein structure and function (PolyPhen-2) suggests that this variant is likely to be disruptive. In summary, the available evidence is currently insufficient to determine the role of this variant in disease. Therefore, it has been classified as a Variant of Uncertain Significance.

Ambry Genetics
Classification: Uncertain significance. Last evaluated: 2021-11-22. Review status: criteria provided, single submitter. Criteria: Ambry Variant Classification Scheme 2023. Collection method: clinical testing. Allele origin: germline.